The following is an entry in ClinVar:

ClinVar aggregate classification (germline): Likely pathogenic (1 of 4 stars; one submission).

Conditions:
Deficiency of alpha-mannosidase (MANSA). Also called: Mannosidosis, alpha-, types I and II; Alpha-Mannosidosis; LYSOSOMAL ALPHA-D-MANNOSIDASE DEFICIENCY. Identifiers: Orphanet 61, MedGen C0024748, MONDO:0009561, OMIM 248500.

Allele frequency attached by ClinVar (database versions not stated): TOPMed below 0.00001.

Submission:

Myriad Genetics, Inc.
Classification: Likely pathogenic for Deficiency of alpha-mannosidase. Last evaluated: 2020-02-03. Review status: criteria provided, single submitter. Criteria: Myriad Women's Health Autosomal Recessive and X-Linked Classification Criteria (2019). Collection method: clinical testing. Allele origin: unknown.
Comment: NM_000528.3(MAN2B1):c.807G>A(W269*) is expected to be pathogenic in the context of alpha-mannosidosis. This variant is predicted to lead to an abnormal or absent protein product due to the creation of a premature termination codon in MAN2B1, a gene where loss-of-function variants are known to be pathogenic. Please note: this variant was assessed in the context of healthy population screening.

NM_000528.4(MAN2B1):c.807G>A (p.Trp269Ter)

Gene: MAN2B1 (mannosidase alpha class 2B member 1; minus strand). Cytogenetic location: 19p13.13.
Variant type: single nucleotide variant.
Coding change: c.807G>A on transcript NM_000528.4 (MANE Select); coding-DNA position 807, G replaced by A.
Protein change: p.Trp269Ter; replaces tryptophan 269 with a stop codon.
Molecular consequence: nonsense.
Genome position (GRCh38, 1-based): chr19:12,663,419, C>T on the plus strand (G>A on the coding strand, the complement: MAN2B1 is on the minus strand). VCF-style: chr19-12663419-C-T. GRCh37 (hg19) VCF-style: chr19-12774233-C-T.
Other names: c.807G>A, p.Trp269Ter (NM_001173498.2); short protein forms W269*.
Identifiers: ClinVar variation 984243 (VCV000984243.3), dbSNP rs1329771201, ClinGen allele CA404252249.